The following is an entry in ClinVar:

ClinVar aggregate classification (germline): Uncertain significance (1 of 4 stars; one submission).

Conditions:
SON-related disorder. Also called: SON-related condition.

Submission:

PreventionGenetics, part of Exact Sciences
Classification: Uncertain significance for SON-related condition. Last evaluated: 2025-03-31. Review status: criteria provided, single submitter. Criteria: ACMG Guidelines, 2015. Collection method: clinical testing. Allele origin: germline.
Comment: The SON c.4862G>T variant is predicted to result in the amino acid substitution p.Ser1621Ile. To our knowledge, this variant has not been reported in the literature or in a large population database (gnomAD), indicating it is rare. At this time, the clinical significance of this variant is uncertain due to the absence of conclusive functional and genetic evidence.

NM_138927.4(SON):c.4862G>T (p.Ser1621Ile)

Gene: SON (SON DNA and RNA binding protein; plus strand). Cytogenetic location: 21q22.11.
Variant type: single nucleotide variant.
Coding change: c.4862G>T on transcript NM_138927.4 (MANE Select); coding-DNA position 4862, G replaced by T.
Protein change: p.Ser1621Ile; replaces serine 1621 with isoleucine.
Molecular consequence: missense variant. On other transcripts: non-coding transcript variant (1), intron variant (1).
Genome position (GRCh38, 1-based): chr21:33,554,093, G>T. VCF-style: chr21-33554093-G-T. GRCh37 (hg19) VCF-style: chr21-34926399-G-T.
Other names: c.4862G>T, p.Ser1621Ile (NM_001291411.2, NM_032195.3); c.245-3063G>T (NM_001291412.3); short protein forms S1621I.
Identifiers: ClinVar variation 4997870 (VCV004997870.1).